The following is an entry in ClinVar:

NM_001818.5(AKR1C4):c.113C>T (p.Thr38Ile)

Gene: AKR1C4 (aldo-keto reductase family 1 member C4; plus strand). Cytogenetic location: 10p15.1.
Variant type: single nucleotide variant.
Coding change: c.113C>T on transcript NM_001818.5 (MANE Select); coding-DNA position 113, C replaced by T.
Protein change: p.Thr38Ile; replaces threonine 38 with isoleucine.
Molecular consequence: missense variant.
Genome position (GRCh38, 1-based): chr10:5,200,209, C>T. VCF-style: chr10-5200209-C-T. GRCh37 (hg19) VCF-style: chr10-5242172-C-T.
Other names: short protein forms T38I.
Identifiers: ClinVar variation 3352524 (VCV003352524.1).

ClinVar aggregate classification (germline): Uncertain significance (0 of 4 stars; one submission).

Conditions:
AKR1C4-related disorder. Also called: AKR1C4-related condition.

gnomAD v4.1: 50 of 1,613,878 alleles (0.0031%); highest among the groups gnomAD compares: South Asian, 0.049%; no homozygotes.

Submission:

PreventionGenetics, part of Exact Sciences
Classification: Uncertain significance for AKR1C4-related condition. Last evaluated: 2024-03-07. Review status: no assertion criteria provided. Collection method: clinical testing. Allele origin: germline.
Comment: The AKR1C4 c.113C>T variant is predicted to result in the amino acid substitution p.Thr38Ile. To our knowledge, this variant has not been reported in the literature. This variant is reported in 0.059% of alleles in individuals of South Asian descent in gnomAD. This variant is not reported in the ClinVar database. At this time, the clinical significance of this variant is uncertain due to the absence of conclusive functional and genetic evidence.